The following is an entry in ClinVar:

NM_004336.5(BUB1):c.3037T>C (p.Cys1013Arg)

Gene: BUB1 (BUB1 mitotic checkpoint serine/threonine kinase; minus strand). Cytogenetic location: 2q13.
Variant type: single nucleotide variant.
Coding change: c.3037T>C on transcript NM_004336.5 (MANE Select); coding-DNA position 3037, T replaced by C.
Protein change: p.Cys1013Arg; replaces cysteine 1013 with arginine.
Molecular consequence: missense variant.
Genome position (GRCh38, 1-based): chr2:110,639,767, A>G on the plus strand (T>C on the coding strand, the complement: BUB1 is on the minus strand). VCF-style: chr2-110639767-A-G. GRCh37 (hg19) VCF-style: chr2-111397344-A-G.
Other names: c.2977T>C, p.Cys993Arg (NM_001278616.2); c.2866T>C, p.Cys956Arg (NM_001278617.2); short protein forms C993R, C1013R, C956R.
Identifiers: ClinVar variation 2565811 (VCV002565811.2), dbSNP rs2467966999, ClinGen allele CA348088717.
Genomic context (GRCh38, chr2:110,639,767, plus strand): 5'-TCTCTTTTCACTACAGCACCAATGCTAATACTCACCTTCTAAAAAGACCTTCAGGCTTAC[A>G]CTCTCCTCCTTCATTTTTCACTTTCATGTAAGTGCCAAAGAGCATGCAATATACTGTTGC-3'
Protein context (NP_004327.1, residues 1003-1023): YMKVKNEGGE[Cys1013Arg]KPEGLFRRLP

ClinVar aggregate classification (germline): Uncertain significance (1 of 4 stars; one submission).

Allele frequency attached by ClinVar (database versions not stated): gnomAD exomes below 0.00001.
gnomAD v4.1: 2 of 1,613,304 alleles (0.00012%); highest among the groups gnomAD compares: Non-Finnish European, 0.00017%; no homozygotes.

Submission:

Ambry Genetics
Classification: Uncertain significance. Last evaluated: 2023-05-14. Review status: criteria provided, single submitter. Criteria: Ambry Variant Classification Scheme 2023. Collection method: clinical testing. Allele origin: germline.
Comment: The p.C1013R variant (also known as c.3037T>C), located in coding exon 24 of the BUB1 gene, results from a T to C substitution at nucleotide position 3037. The cysteine at codon 1013 is replaced by arginine, an amino acid with highly dissimilar properties. This amino acid position is conserved. In addition, this alteration is predicted to be tolerated by in silico analysis. Since supporting evidence is limited at this time, the clinical significance of this alteration remains unclear.